The following is an entry in ClinVar:

NM_022455.5(NSD1):c.7784A>G (p.Lys2595Arg)

Gene: NSD1 (nuclear receptor binding SET domain protein 1; plus strand). Cytogenetic location: 5q35.3.
Variant type: single nucleotide variant.
Coding change: c.7784A>G on transcript NM_022455.5 (MANE Select); coding-DNA position 7784, A replaced by G.
Protein change: p.Lys2595Arg; replaces lysine 2595 with arginine.
Molecular consequence: missense variant.
Genome position (GRCh38, 1-based): chr5:177,295,152, A>G. VCF-style: chr5-177295152-A-G. GRCh37 (hg19) VCF-style: chr5-176722153-A-G.
Other names: c.6911A>G, p.Lys2304Arg (NM_001365684.2, NM_001409308.1, NM_172349.5); c.7784A>G, p.Lys2595Arg (NM_001409301.1, NM_001409302.1, NM_001409303.1); c.7364A>G, p.Lys2455Arg (NM_001409304.1); c.7031A>G, p.Lys2344Arg (NM_001409305.1); c.7022A>G, p.Lys2341Arg (NM_001409306.1, NM_001409307.1); c.6662A>G, p.Lys2221Arg (NM_001409309.1); short protein forms K2221R, K2304R, K2341R, K2344R, K2455R, K2595R.
Identifiers: ClinVar variation 3376385 (VCV003376385.1).
Genomic context (GRCh38, chr5:177,295,152, plus strand): 5'-GCCTGGTGAAGCAGGCGAAGCAGATGGTCGGAGGCCAGCAACTACCTGCACTTGCCGCCA[A>G]GAGTGGGCAATCTTTTAGGTCTCTCGGGAAGGCCCCAGCCTCCCTCCCCACTGAAGAAAA-3'
Protein context (NP_071900.2, residues 2585-2605): GGQQLPALAA[Lys2595Arg]SGQSFRSLGK

ClinVar aggregate classification (germline): Uncertain significance (1 of 4 stars; one submission).

Conditions:
Sotos syndrome (SOTOS). Also called: Sotos' syndrome; Distinctive facial appearance, overgrowth in childhood, and learning disabilities or delayed development; CEREBRAL GIGANTISM; CHROMOSOME 5q35 DELETION SYNDROME; SOTOS SYNDROME 1. Identifiers: Orphanet 821, MedGen C0175695, MONDO:0019349, OMIM 117550.

gnomAD v4.1: 1 of 1,614,060 alleles (0.000062%); highest among the groups gnomAD compares: African/African-American, 0.0013%; no homozygotes.

Submission:

Pittsburgh Clinical Genomics Laboratory, University of Pittsburgh Medical Center
Classification: Uncertain significance for Sotos syndrome. Last evaluated: 2024-01-17. Review status: criteria provided, single submitter. Criteria: ACMG Guidelines, 2015. Collection method: clinical testing. Allele origin: germline. Inheritance: Autosomal dominant inheritance. Affected: yes.
Comment: This sequence variant is a single nucleotide substitution (A>G) at position 7784 of the coding sequence of the NSD1 gene that results in a lysine to arginine amino acid change at residue 2595 of the nuclear receptor binding SET domain protein 1. This variant is absent from ClinVar and has not been observed in individuals affected by an NSD1-related disorder in the published literature, to our knowledge. This variant is present in 1 of 152246 alleles (0.0007%) in the gnomAD v4.0.0 population dataset. Multiple bioinformatic tools predict that this lysine to arginine amino acid change would be neutral, and the Lys2595 residue at this position is poorly conserved across the vertebrate species examined. Studies examining the functional consequence of this variant have not been published, to our knowledge. At this time, there is insufficient evidence to determine if this variant is pathogenic or benign. Therefore, we consider this a variant of uncertain significance. ACMG Criteria: BP4, PM2